The following is an entry in ClinVar:

NM_138927.4(SON):c.580A>T (p.Met194Leu)

Gene: SON (SON DNA and RNA binding protein; plus strand). Cytogenetic location: 21q22.11.
Variant type: single nucleotide variant.
Coding change: c.580A>T on transcript NM_138927.4 (MANE Select); coding-DNA position 580, A replaced by T.
Protein change: p.Met194Leu; replaces methionine 194 with leucine.
Molecular consequence: missense variant. On other transcripts: non-coding transcript variant (1), intron variant (1).
Genome position (GRCh38, 1-based): chr21:33,549,811, A>T. VCF-style: chr21-33549811-A-T. GRCh37 (hg19) VCF-style: chr21-34922117-A-T.
Other names: c.580A>T, p.Met194Leu (NM_001291411.2, NM_001412133.1, NM_032195.3 and 2 more transcripts); c.244+3432A>T (NM_001291412.3); short protein forms M194L.
Identifiers: ClinVar variation 2708811 (VCV002708811.3), dbSNP rs146870437, ClinGen allele CA320148286.

ClinVar aggregate classification (germline): Uncertain significance (1 of 4 stars; one submission).

Submission:

Labcorp Genetics (formerly Invitae), Labcorp
Classification: Uncertain significance. Last evaluated: 2024-03-04. Review status: criteria provided, single submitter. Criteria: Invitae Variant Classification Sherloc (09022015). Collection method: clinical testing. Allele origin: germline.
Comment: This sequence change replaces methionine, which is neutral and non-polar, with leucine, which is neutral and non-polar, at codon 194 of the SON protein (p.Met194Leu). This variant is not present in population databases (gnomAD no frequency). This variant has not been reported in the literature in individuals affected with SON-related conditions. An algorithm developed to predict the effect of missense changes on protein structure and function (PolyPhen-2) suggests that this variant is likely to be tolerated. In summary, the available evidence is currently insufficient to determine the role of this variant in disease. Therefore, it has been classified as a Variant of Uncertain Significance.